The following is an entry in ClinVar:

NM_206933.4(USH2A):c.5768C>T (p.Pro1923Leu)

Genes: USH2A (usherin; minus strand), USH2A-AS2 (USH2A antisense RNA 2; plus strand). Cytogenetic location: 1q41.
Variant type: single nucleotide variant.
Coding change: c.5768C>T on transcript NM_206933.4 (MANE Select); coding-DNA position 5768, C replaced by T.
Protein change: p.Pro1923Leu; replaces proline 1923 with leucine.
Molecular consequence: missense variant.
Genome position (GRCh38, 1-based): chr1:216,073,105, G>A on the plus strand (C>T on the coding strand, the complement: USH2A is on the minus strand). VCF-style: chr1-216073105-G-A. GRCh37 (hg19) VCF-style: chr1-216246447-G-A.
Other names: short protein forms P1923L.
Identifiers: ClinVar variation 1465915 (VCV001465915.6), dbSNP rs2102548904, ClinGen allele CA344853993.

ClinVar aggregate classification (germline): Uncertain significance (1 of 4 stars; one submission).

Allele frequency attached by ClinVar (database versions not stated): gnomAD exomes below 0.00001.
gnomAD v4.1: 1 of 1,613,806 alleles (0.000062%); highest among the groups gnomAD compares: East Asian, 0.0022%; no homozygotes.

Submission:

Labcorp Genetics (formerly Invitae), Labcorp
Classification: Uncertain significance. Last evaluated: 2025-03-26. Review status: criteria provided, single submitter. Criteria: Invitae Variant Classification Sherloc (09022015). Collection method: clinical testing. Allele origin: germline.
Comment: This sequence change replaces proline, which is neutral and non-polar, with leucine, which is neutral and non-polar, at codon 1923 of the USH2A protein (p.Pro1923Leu). This variant is not present in population databases (gnomAD no frequency). This variant has not been reported in the literature in individuals affected with USH2A-related conditions. ClinVar contains an entry for this variant (Variation ID: 1465915). Invitae Evidence Modeling of protein sequence and biophysical properties (such as structural, functional, and spatial information, amino acid conservation, physicochemical variation, residue mobility, and thermodynamic stability) has been performed for this missense variant. However, the output from this modeling did not meet the statistical confidence thresholds required to predict the impact of this variant on USH2A protein function. In summary, the available evidence is currently insufficient to determine the role of this variant in disease. Therefore, it has been classified as a Variant of Uncertain Significance.